The following is an entry in ClinVar:

NM_020831.6(MRTFA):c.872G>C (p.Ser291Thr)

Gene: MRTFA (myocardin related transcription factor A; minus strand). Cytogenetic location: 22q13.1.
Variant type: single nucleotide variant.
Coding change: c.872G>C on transcript NM_020831.6 (MANE Select); coding-DNA position 872, G replaced by C.
Protein change: p.Ser291Thr; replaces serine 291 with threonine.
Molecular consequence: missense variant. On other transcripts: intron variant (1).
Genome position (GRCh38, 1-based): chr22:40,423,591, C>G on the plus strand (G>C on the coding strand, the complement: MRTFA is on the minus strand). VCF-style: chr22-40423591-C-G. GRCh37 (hg19) VCF-style: chr22-40819595-C-G.
Other names: c.572G>C, p.Ser191Thr (NM_001282660.2); c.872G>C, p.Ser291Thr (NM_001282662.3); c.677G>C, p.Ser226Thr (NM_001318139.2); c.777+615G>C (NM_001282661.3); short protein forms S191T, S226T, S291T.
Identifiers: ClinVar variation 1683137 (VCV001683137.6), dbSNP rs138863971, ClinGen allele CA10249848.

ClinVar aggregate classification (germline): Uncertain significance (1 of 4 stars; one submission).

Allele frequency attached by ClinVar (database versions not stated): TOPMed 0.00014; 1000 Genomes Project 30x 0.00016; ExAC 0.00016; gnomAD exomes 0.00016 and 0.00035; gnomAD 0.00017 and 0.00018; 1000 Genomes Project 0.00020; ESP Exome Variant Server 0.00031.
gnomAD v4.1: 522 of 1,595,084 alleles (0.033%); highest among the groups gnomAD compares: Non-Finnish European, 0.043%; no homozygotes.

Submission:

Labcorp Genetics (formerly Invitae), Labcorp
Classification: Uncertain significance. Last evaluated: 2026-02-01. Review status: criteria provided, single submitter. Criteria: Invitae Variant Classification Sherloc (09022015). Collection method: clinical testing. Allele origin: germline.
Comment: This sequence change replaces serine, which is neutral and polar, with threonine, which is neutral and polar, at codon 191 of the MKL1 protein (p.Ser191Thr). This variant is present in population databases (rs138863971, gnomAD 0.03%). This variant has not been reported in the literature in individuals affected with MKL1-related conditions. ClinVar contains an entry for this variant (Variation ID: 1683137). An algorithm developed to predict the effect of missense changes on protein structure and function (PolyPhen-2) suggests that this variant is likely to be tolerated. In summary, the available evidence is currently insufficient to determine the role of this variant in disease. Therefore, it has been classified as a Variant of Uncertain Significance.